The following is an entry in ClinVar:

NM_032776.3(JMJD1C):c.1354G>A (p.Val452Ile)

Gene: JMJD1C (jumonji domain containing 1C; minus strand). Cytogenetic location: 10q21.3.
Variant type: single nucleotide variant.
Coding change: c.1354G>A on transcript NM_032776.3 (MANE Select); coding-DNA position 1354, G replaced by A.
Protein change: p.Val452Ile; replaces valine 452 with isoleucine.
Molecular consequence: missense variant. On other transcripts: non-coding transcript variant (1).
Genome position (GRCh38, 1-based): chr10:63,214,813, C>T on the plus strand (G>A on the coding strand, the complement: JMJD1C is on the minus strand). VCF-style: chr10-63214813-C-T. GRCh37 (hg19) VCF-style: chr10-64974573-C-T.
Other names: c.808G>A, p.Val270Ile (NM_001282948.2, NM_001318154.2); c.490G>A, p.Val164Ile (NM_001318153.2); c.1240G>A, p.Val414Ile (NM_001322252.2); c.697G>A, p.Val233Ile (NM_001322254.2, NM_001322258.2); short protein forms V233I, V414I, V164I, V452I, V270I.
Identifiers: ClinVar variation 2058887 (VCV002058887.4), dbSNP rs1336344646, ClinGen allele CA377049964.

ClinVar aggregate classification (germline): Uncertain significance (1 of 4 stars; one submission).

Conditions:
Early Myoclonic Encephalopathy. Identifiers: MedGen C0270855.

Submission:

Labcorp Genetics (formerly Invitae), Labcorp
Classification: Uncertain significance for Early Myoclonic Encephalopathy. Last evaluated: 2022-12-21. Review status: criteria provided, single submitter. Criteria: Invitae Variant Classification Sherloc (09022015). Collection method: clinical testing. Allele origin: germline.
Comment: In summary, the available evidence is currently insufficient to determine the role of this variant in disease. Therefore, it has been classified as a Variant of Uncertain Significance. This sequence change replaces valine, which is neutral and non-polar, with isoleucine, which is neutral and non-polar, at codon 452 of the JMJD1C protein (p.Val452Ile). This variant is not present in population databases (gnomAD no frequency). This variant has not been reported in the literature in individuals affected with JMJD1C-related conditions. Advanced modeling of protein sequence and biophysical properties (such as structural, functional, and spatial information, amino acid conservation, physicochemical variation, residue mobility, and thermodynamic stability) performed at Invitae indicates that this missense variant is not expected to disrupt JMJD1C protein function.